The following is an entry in ClinVar:

NC_000001.10:g.(?_12008023)_(12059162_?)dup

Genes: MFN2 (mitofusin 2; plus strand), PLOD1 (procollagen-lysine,2-oxoglutarate 5-dioxygenase 1; plus strand). Cytogenetic location: 1p36.22.
Variant type: Duplication.
Identifiers: ClinVar variation 1411864 (VCV001411864.4).

ClinVar aggregate classification (germline): Uncertain significance (1 of 4 stars; one submission).

Conditions:
Charcot-Marie-Tooth disease type 2. Also called: Charcot-Marie-Tooth type 2. Identifiers: Orphanet 64746, MedGen C0270914, MONDO:0018993.

Submission:

Labcorp Genetics (formerly Invitae), Labcorp
Classification: Uncertain significance for Charcot-Marie-Tooth disease type 2. Last evaluated: 2021-01-24. Review status: criteria provided, single submitter. Criteria: Invitae Variant Classification Sherloc (09022015). Collection method: clinical testing. Allele origin: germline.
Comment: In summary, the available evidence is currently insufficient to determine the role of this variant in disease. Therefore, it has been classified as a Variant of Uncertain Significance. Experimental studies and prediction algorithms are not available or were not evaluated, and the functional significance of this variant is currently unknown. This variant has not been reported in the literature in individuals with MFN2-related conditions. This variant results in a copy number gain of the genomic region encompassing exon(s) 1-8 of the MFN2 gene. This region includes the initiator codon of the gene. The 5' end of this event is unknown as it extends beyond the assayed region for this gene and therefore may encompass additional genes. The 3' boundary is likely confined to intron 8 of the MFN2 gene. As the precise location of this event is unknown, it may be in tandem or it may be located elsewhere in the genome.